The following is an entry in ClinVar:

ClinVar aggregate classification (germline): Uncertain significance (1 of 4 stars; one submission).

Allele frequency attached by ClinVar (database versions not stated): TOPMed below 0.00001; gnomAD exomes 0.00001.
gnomAD v4.1: 9 of 1,211,470 alleles (0.00074%); highest among the groups gnomAD compares: Non-Finnish European, 0.001%; no homozygotes.

Submission:

GeneDx
Classification: Uncertain significance. Last evaluated: 2024-08-20. Review status: criteria provided, single submitter. Criteria: GeneDx Variant Classification Process June 2021. Collection method: clinical testing. Allele origin: germline. Affected: yes.
Comment: Published functional studies demonstrate reduced surface expression of NLGN4X compared to wild-type and inability to rescue reduced frequency and amplitude of miniature excitatory postsynaptic currents (mEPSCs) in cultured hippocampal neurons (PMID: 32243781); In silico analysis supports that this missense variant has a deleterious effect on protein structure/function; Not observed at significant frequency in large population cohorts (gnomAD); This variant is associated with the following publications: (PMID: 33823469, 32243781, 37865312)

NM_181332.3(NLGN4X):c.281C>T (p.Pro94Leu)

Gene: NLGN4X (neuroligin 4 X-linked; minus strand). Cytogenetic location: Xp22.31.
Variant type: single nucleotide variant.
Coding change: c.281C>T on transcript NM_181332.3 (MANE Select); coding-DNA position 281, C replaced by T.
Protein change: p.Pro94Leu; replaces proline 94 with leucine.
Molecular consequence: missense variant.
Genome position (GRCh38, 1-based): chrX:6,151,186, G>A on the plus strand (C>T on the coding strand, the complement: NLGN4X is on the minus strand). VCF-style: chrX-6151186-G-A. GRCh37 (hg19) VCF-style: chrX-6069227-G-A.
Other names: c.281C>T, p.Pro94Leu (NM_001282145.2, NM_001282146.2, NM_020742.4); short protein forms P94L.
Identifiers: ClinVar variation 392869 (VCV000392869.6), dbSNP rs1057524668, ClinGen allele CA16609202.
Genomic context (GRCh38, chrX:6,151,186, plus strand): 5'-AGGTGCTGGGGGCACACAGCAGCAAACTGAGTAGTATTTCGGATGCCAGTCCAGGAGGAC[G>A]GGGGTTCTGGGGGCTGAAACCGCCTCTCTCCAGTGGGGGGTGAGGCATAGGGGACCCCTA-3'
Protein context (NP_851849.1, residues 84-104): GERRFQPPEP[Pro94Leu]SSWTGIRNTT